The following is an entry in ClinVar:

NM_201384.3(PLEC):c.688C>G (p.Leu230Val)

Gene: PLEC (plectin; minus strand). Cytogenetic location: 8q24.3.
Variant type: single nucleotide variant.
Coding change: c.688C>G on transcript NM_201384.3 (MANE Select); coding-DNA position 688, C replaced by G.
Protein change: p.Leu230Val; replaces leucine 230 with valine.
Molecular consequence: missense variant.
Genome position (GRCh38, 1-based): chr8:143,935,228, G>C on the plus strand (C>G on the coding strand, the complement: PLEC is on the minus strand). VCF-style: chr8-143935228-G-C. GRCh37 (hg19) VCF-style: chr8-145009396-G-C.
Other names: c.769C>G, p.Leu257Val (NM_000445.5); c.646C>G, p.Leu216Val (NM_201378.4); c.622C>G, p.Leu208Val (NM_201379.3); c.1099C>G, p.Leu367Val (NM_201380.4); c.592C>G, p.Leu198Val (NM_201381.3); c.688C>G, p.Leu230Val (NM_201382.4); c.700C>G, p.Leu234Val (NM_201383.3); short protein forms L216V, L234V, L367V, L257V, L208V, L198V, L230V.
Identifiers: ClinVar variation 1476648 (VCV001476648.8), dbSNP rs2132084523, ClinGen allele CA372587572.

ClinVar aggregate classification (germline): Uncertain significance (1 of 4 stars; one submission).

Conditions:
Autosomal recessive limb-girdle muscular dystrophy type 2Q (LGMDR17). Also called: MUSCULAR DYSTROPHY, LIMB-GIRDLE, AUTOSOMAL RECESSIVE 17. Identifiers: Orphanet 254361, MedGen C3150989, MONDO:0013390, OMIM 613723.
Epidermolysis bullosa simplex 5B, with muscular dystrophy (EBS5B). Also called: EPIDERMOLYSIS BULLOSA SIMPLEX AND LIMB-GIRDLE MUSCULAR DYSTROPHY; Epidermolysis bullosa simplex with muscular dystrophy. Identifiers: Orphanet 257, MedGen C2931072, MONDO:0009181, OMIM 226670.
Epidermolysis bullosa simplex, Ogna type (EBS5A). Also called: Pidermolysis bullosa simplex 5A, Ogna type; EPIDERMOLYSIS BULLOSA SIMPLEX 5A, OGNA TYPE. Identifiers: Orphanet 79401, MedGen C0432317, MONDO:0007555, OMIM 131950.
Epidermolysis bullosa simplex with nail dystrophy (EBS5D). Identifiers: MedGen C4225309, MONDO:0014661, OMIM 616487.
Epidermolysis bullosa simplex 5C, with pyloric atresia (EBS5C). Also called: Epidermolysis bullosa simplex with pyloric atresia; PLEC1-Related Epidermolysis Bullosa with Pyloric Atresia; PLEC-Related Epidermolysis Bullosa with Pyloric Atresia. Identifiers: Orphanet 158684, MedGen C2677349, MONDO:0012807, OMIM 612138.

Submission:

Labcorp Genetics (formerly Invitae), Labcorp
Classification: Uncertain significance for Autosomal recessive limb-girdle muscular dystrophy type 2Q; Epidermolysis bullosa simplex, Ogna type; Epidermolysis bullosa simplex with nail dystrophy; Epidermolysis bullosa simplex 5C, with pyloric atresia; Epidermolysis bullosa simplex 5B, with muscular dystrophy. Last evaluated: 2021-03-27. Review status: criteria provided, single submitter. Criteria: Invitae Variant Classification Sherloc (09022015). Collection method: clinical testing. Allele origin: germline.
Comment: In summary, the available evidence is currently insufficient to determine the role of this variant in disease. Therefore, it has been classified as a Variant of Uncertain Significance. Algorithms developed to predict the effect of missense changes on protein structure and function are either unavailable or do not agree on the potential impact of this missense change (SIFT: "Deleterious"; PolyPhen-2: "Not Available"; Align-GVGD: "Class C0"). This variant has not been reported in the literature in individuals with PLEC-related conditions. This variant is not present in population databases (ExAC no frequency). This sequence change replaces leucine with valine at codon 257 of the PLEC protein (p.Leu257Val). The leucine residue is highly conserved and there is a small physicochemical difference between leucine and valine.